The following is an entry in ClinVar:

ClinVar aggregate classification (germline): Uncertain significance (1 of 4 stars; one submission).

Allele frequency attached by ClinVar (database versions not stated): gnomAD exomes below 0.00001.
gnomAD v4.1: 1 of 1,545,268 alleles (0.000065%); highest among the groups gnomAD compares: Non-Finnish European, 0.000087%; no homozygotes.

Submission:

Labcorp Genetics (formerly Invitae), Labcorp
Classification: Uncertain significance. Last evaluated: 2022-02-20. Review status: criteria provided, single submitter. Criteria: Invitae Variant Classification Sherloc (09022015). Collection method: clinical testing. Allele origin: germline.
Comment: Algorithms developed to predict the effect of missense changes on protein structure and function are either unavailable or do not agree on the potential impact of this missense change (SIFT: "Deleterious"; PolyPhen-2: "Probably Damaging"; Align-GVGD: "Class C0"). In summary, the available evidence is currently insufficient to determine the role of this variant in disease. Therefore, it has been classified as a Variant of Uncertain Significance. This variant has not been reported in the literature in individuals affected with MCM5-related conditions. This variant is not present in population databases (gnomAD no frequency). This sequence change replaces arginine, which is basic and polar, with histidine, which is basic and polar, at codon 732 of the MCM5 protein (p.Arg732His).

NM_006739.4(MCM5):c.2195G>A (p.Arg732His)

Gene: MCM5 (minichromosome maintenance complex component 5; plus strand). Cytogenetic location: 22q12.3.
Variant type: single nucleotide variant.
Coding change: c.2195G>A on transcript NM_006739.4 (MANE Select); coding-DNA position 2195, G replaced by A.
Protein change: p.Arg732His; replaces arginine 732 with histidine.
Molecular consequence: missense variant.
Genome position (GRCh38, 1-based): chr22:35,424,245, G>A. VCF-style: chr22-35424245-G-A. GRCh37 (hg19) VCF-style: chr22-35820238-G-A.
Other names: short protein forms R732H.
Identifiers: ClinVar variation 1465099 (VCV001465099.8), dbSNP rs368400416, ClinGen allele CA411351277.